The following is an entry in ClinVar:

NM_032229.3(SLITRK6):c.1763CAA[3] (p.Thr591del)

Gene: SLITRK6 (SLIT and NTRK like family member 6; minus strand). Cytogenetic location: 13q31.1.
Variant type: Microsatellite.
Coding change: c.1763CAA[3] on transcript NM_032229.3 (MANE Select); three copies in a row of the 3-base unit CAA starting at c.1763; the reference has four copies in a row; one copy, 3 bases deleted.
Protein change: p.Thr591del; deletes threonine 591.
Molecular consequence: inframe deletion.
Genome position (GRCh38, 1-based): chr13:85,794,735-85,794,737, TTG deleted on the plus strand (CAA on the coding strand, the reverse complement: SLITRK6 is on the minus strand); deleting any 3 consecutive bases within chr13:85,794,735-85,794,746 gives the same sequence; the position shown is the placement nearest the transcript's 3' end. VCF-style (leftmost placement, unchanged base first): chr13-85794734-TTTG-T. GRCh37 (hg19) VCF-style: chr13-86368869-TTTG-T.
Other names: short protein forms T591del.
Identifiers: ClinVar variation 1712846 (VCV001712846.2), dbSNP rs780214142, ClinGen allele CA7015032.
Genomic context (GRCh38, chr13:85,794,734, plus strand): 5'-AATATTAGAACAGACAGTGGCACAGCGTCCGTAAGAGATCGTAAAATAGTATCAGCCGTA[TTTG>T]TTGTTGTTGCAGGAGTGGTGACCATAAGGTAACTAGTCTGTGTTGGCATGGATGGGTTAT-3'

ClinVar aggregate classification (germline): Uncertain significance (1 of 4 stars; one submission).

Submission:

GeneDx
Classification: Uncertain significance. Last evaluated: 2022-04-27. Review status: criteria provided, single submitter. Criteria: GeneDx Variant Classification Process June 2021. Collection method: clinical testing. Allele origin: germline. Affected: yes.
Comment: In-frame deletion of 1 amino acid in a repetitive region with no known function; Has not been previously published as pathogenic or benign to our knowledge